The following is an entry in ClinVar:

NM_183050.4(BCKDHB):c.197-1G>C

Gene: BCKDHB (branched chain keto acid dehydrogenase E1 subunit beta; plus strand). Cytogenetic location: 6q14.1.
Variant type: single nucleotide variant.
Coding change: c.197-1G>C on transcript NM_183050.4 (MANE Select); the canonical splice acceptor site of the intron before coding-DNA position 197, G replaced by C.
Molecular consequence: splice acceptor variant.
Genome position (GRCh38, 1-based): chr6:80,127,546, G>C. VCF-style: chr6-80127546-G-C. GRCh37 (hg19) VCF-style: chr6-80837263-G-C.
Other names: c.-14-1G>C (NM_001318975.1); c.197-1G>C (NM_000056.5).
Identifiers: ClinVar variation 2011205 (VCV002011205.4), dbSNP rs2481557966, ClinGen allele CA364658944.

ClinVar aggregate classification (germline): Pathogenic (1 of 4 stars; one submission).

Conditions:
Maple syrup urine disease (MSUD). Identifiers: Orphanet 511, MedGen C0024776, MeSH D008375, MONDO:0009563. Disease mechanism: loss of function.

Submission:

Labcorp Genetics (formerly Invitae), Labcorp
Classification: Pathogenic for Maple syrup urine disease. Last evaluated: 2022-10-28. Review status: criteria provided, single submitter. Criteria: Invitae Variant Classification Sherloc (09022015). Collection method: clinical testing. Allele origin: germline.
Comment: Disruption of this splice site has been observed in individual(s) with maple syrup urine disease (PMID: 26257134). For these reasons, this variant has been classified as Pathogenic. Algorithms developed to predict the effect of sequence changes on RNA splicing suggest that this variant may disrupt the consensus splice site. This variant is not present in population databases (gnomAD no frequency). This sequence change affects an acceptor splice site in intron 1 of the BCKDHB gene. It is expected to disrupt RNA splicing. Variants that disrupt the donor or acceptor splice site typically lead to a loss of protein function (PMID: 16199547), and loss-of-function variants in BCKDHB are known to be pathogenic (PMID: 16786533, 22593002).

Literature cited by the submitters: PubMed 26257134; PubMed 16199547; PubMed 16786533; PubMed 22593002.